The following is an entry in ClinVar:

NM_004793.4(LONP1):c.1318G>A (p.Glu440Lys)

Gene: LONP1 (lon peptidase 1, mitochondrial; minus strand). Cytogenetic location: 19p13.3.
Variant type: single nucleotide variant.
Coding change: c.1318G>A on transcript NM_004793.4 (MANE Select); coding-DNA position 1318, G replaced by A.
Protein change: p.Glu440Lys; replaces glutamic acid 440 with lysine.
Molecular consequence: missense variant. On other transcripts: non-coding transcript variant (1).
Genome position (GRCh38, 1-based): chr19:5,705,821, C>T on the plus strand (G>A on the coding strand, the complement: LONP1 is on the minus strand). VCF-style: chr19-5705821-C-T. GRCh37 (hg19) VCF-style: chr19-5705832-C-T.
Other names: c.1318G>A (NM_004793.2); c.1126G>A, p.Glu376Lys (NM_001276479.2); c.730G>A, p.Glu244Lys (NM_001276480.1); short protein forms E376K, E440K, E244K.
Identifiers: ClinVar variation 3694625 (VCV003694625.3).

ClinVar aggregate classification (germline): Uncertain significance. Review status: criteria provided, multiple submitters, no conflicts (2 of 4 stars). 2 submissions from 2 submitters: Uncertain significance (2). Last evaluated 2025-01-18.

Conditions:
Inborn genetic diseases. Identifiers: MedGen C0950123, MeSH D030342.

gnomAD v4.1: 6 of 1,614,030 alleles (0.00037%); highest among the groups gnomAD compares: South Asian, 0.0044%; no homozygotes.

Submissions (2):

Ambry Genetics
Classification: Uncertain significance for Inborn genetic diseases. Last evaluated: 2025-01-18. Review status: criteria provided, single submitter. Criteria: Ambry Variant Classification Scheme 2023. Collection method: clinical testing. Allele origin: germline.

Labcorp Genetics (formerly Invitae), Labcorp
Classification: Uncertain significance. Last evaluated: 2024-04-17. Review status: criteria provided, single submitter. Criteria: Invitae Variant Classification Sherloc (09022015). Collection method: clinical testing. Allele origin: germline.
Comment: This sequence change replaces glutamic acid, which is acidic and polar, with lysine, which is basic and polar, at codon 440 of the LONP1 protein (p.Glu440Lys). This variant is present in population databases (rs772122947, gnomAD 0.01%). This variant has not been reported in the literature in individuals affected with LONP1-related conditions. Advanced modeling of protein sequence and biophysical properties (such as structural, functional, and spatial information, amino acid conservation, physicochemical variation, residue mobility, and thermodynamic stability) performed at Invitae indicates that this missense variant is not expected to disrupt LONP1 protein function with a negative predictive value of 80%. In summary, the available evidence is currently insufficient to determine the role of this variant in disease. Therefore, it has been classified as a Variant of Uncertain Significance.